The following is an entry in ClinVar:

ClinVar aggregate classification (germline): Uncertain significance (1 of 4 stars; one submission).

Conditions:
Cardiovascular phenotype. Identifiers: MedGen CN230736.

Allele frequency attached by ClinVar (database versions not stated): gnomAD exomes below 0.00001; gnomAD 0.00001; TOPMed 0.00002.
gnomAD v4.1: 3 of 1,612,864 alleles (0.00019%); highest among the groups gnomAD compares: Admixed American, 0.005%; no homozygotes.

Submission:

Ambry Genetics
Classification: Uncertain significance for Cardiovascular phenotype. Last evaluated: 2024-03-14. Review status: criteria provided, single submitter. Criteria: Ambry Variant Classification Scheme 2023. Collection method: clinical testing. Allele origin: germline.
Comment: The p.Q2760R variant (also known as c.8279A>G), located in coding exon 23 of the TNXB gene, results from an A to G substitution at nucleotide position 8279. The glutamine at codon 2760 is replaced by arginine, an amino acid with highly similar properties. This amino acid position is conserved. In addition, this alteration is predicted to be tolerated by in silico analysis. Based on the available evidence, the clinical significance of this alteration remains unclear.

NM_001365276.2(TNXB):c.8279A>G (p.Gln2760Arg)

Gene: TNXB (tenascin XB; minus strand). Cytogenetic location: 6p21.33.
Variant type: single nucleotide variant.
Coding change: c.8279A>G on transcript NM_001365276.2 (MANE Select); coding-DNA position 8279, A replaced by G.
Protein change: p.Gln2760Arg; replaces glutamine 2760 with arginine.
Molecular consequence: missense variant.
Genome position (GRCh38, 1-based): chr6:32,056,039, T>C on the plus strand (A>G on the coding strand, the complement: TNXB is on the minus strand). VCF-style: chr6-32056039-T-C. GRCh37 (hg19) VCF-style: chr6-32023816-T-C.
Other names: c.9020A>G, p.Gln3007Arg (NM_001428335.1); c.8279A>G, p.Gln2760Arg (NM_019105.8); short protein forms Q2760R, Q3007R.
Identifiers: ClinVar variation 3227337 (VCV003227337.1), dbSNP rs1280017138, ClinGen allele CA363549364.